The following is an entry in ClinVar:

ClinVar aggregate classification (germline): Conflicting classifications of pathogenicity. Review status: criteria provided, conflicting classifications (1 of 4 stars). 3 submissions from 3 submitters: Likely pathogenic (1); Uncertain significance (2). Last evaluated 2026-06-05.

Conditions:
GP1BA-related disorder. Also called: GP1BA-related condition.
Bernard-Soulier syndrome, type A2, autosomal dominant (BSSA2). Also called: Bernard-Soulier syndrome, type A2 (dominant). Identifiers: Orphanet 274, MedGen C3277076, MONDO:0007930, OMIM 153670.

Submissions (3):

PreventionGenetics, part of Exact Sciences
Classification: Uncertain significance for GP1BA-related condition. Last evaluated: 2026-06-05. Review status: criteria provided, single submitter. Criteria: ACMG Guidelines, 2015. Collection method: clinical testing. Allele origin: germline.
Comment: The GP1BA c.464T>C variant is predicted to result in the amino acid substitution p.Leu155Pro. This variant was reported in an individual with thrombocytopenia (Dib et al. 2022. PubMed ID: 36173017). This variant has not been reported in a large population database (gnomAD), indicating this variant is rare. At this time, the clinical significance of this variant is uncertain due to the absence of conclusive functional and genetic evidence.

Blueprint Genetics
Classification: Uncertain significance. Last evaluated: 2020-07-13. Review status: criteria provided, single submitter. Criteria: ACMG Guidelines, 2015. Collection method: clinical testing. Allele origin: germline.

Neuberg Centre For Genomic Medicine, NCGM
Classification: Likely pathogenic for Bernard-Soulier syndrome, type A2, autosomal dominant. Review status: criteria provided, single submitter. Criteria: ACMG Guidelines, 2015. Collection method: clinical testing. Allele origin: germline. Inheritance: Autosomal dominant inheritance. Affected: yes.
Comment: The platelet aggregation assay performed on citrated platelet-rich plasma using adenosine diphosphate (ADP), arachidonic acid (AA), and collagen as agonists demonstrated reduced platelet aggregation in individuals (Dib F, et al., 2022). However, additional evidence is required to prove the pathogenicity of this variant conclusively. For these reasons, the variant has been classified as Likely pathogenic.

NM_000173.7(GP1BA):c.464T>C (p.Leu155Pro)

Gene: GP1BA (glycoprotein Ib platelet subunit alpha; plus strand). Cytogenetic location: 17p13.2.
Variant type: single nucleotide variant.
Coding change: c.464T>C on transcript NM_000173.7 (MANE Select); coding-DNA position 464, T replaced by C.
Protein change: p.Leu155Pro; replaces leucine 155 with proline.
Molecular consequence: missense variant.
Genome position (GRCh38, 1-based): chr17:4,933,068, T>C. VCF-style: chr17-4933068-T-C. GRCh37 (hg19) VCF-style: chr17-4836363-T-C.
Other names: c.464T>C (NM_000173.6); short protein forms L155P.
Identifiers: ClinVar variation 4086242 (VCV004086242.3).